The following is an entry in ClinVar:

ClinVar aggregate classification (germline): Uncertain significance (1 of 4 stars; one submission).

Conditions:
Periodic fever-infantile enterocolitis-autoinflammatory syndrome. Also called: Autoinflammation with infantile enterocolitis. Identifiers: Orphanet 436166, MedGen C4015067, MONDO:0014472, OMIM 616050.
Familial cold autoinflammatory syndrome 4 (FCAS4). Identifiers: Orphanet 47045, Orphanet 576349, MedGen C4015276, MONDO:0014498, OMIM 616115.

Submission:

Labcorp Genetics (formerly Invitae), Labcorp
Classification: Uncertain significance for Periodic fever-infantile enterocolitis-autoinflammatory syndrome; Familial cold autoinflammatory syndrome 4. Last evaluated: 2024-12-02. Review status: criteria provided, single submitter. Criteria: Invitae Variant Classification Sherloc (09022015). Collection method: clinical testing. Allele origin: germline.
Comment: This sequence change replaces leucine, which is neutral and non-polar, with serine, which is neutral and polar, at codon 741 of the NLRC4 protein (p.Leu741Ser). This variant is not present in population databases (gnomAD no frequency). This variant has not been reported in the literature in individuals affected with NLRC4-related conditions. ClinVar contains an entry for this variant (Variation ID: 1978019). Invitae Evidence Modeling of protein sequence and biophysical properties (such as structural, functional, and spatial information, amino acid conservation, physicochemical variation, residue mobility, and thermodynamic stability) has been performed for this missense variant. However, the output from this modeling did not meet the statistical confidence thresholds required to predict the impact of this variant on NLRC4 protein function. In summary, the available evidence is currently insufficient to determine the role of this variant in disease. Therefore, it has been classified as a Variant of Uncertain Significance.

NM_001199138.2(NLRC4):c.2222T>C (p.Leu741Ser)

Gene: NLRC4 (NLR family CARD domain containing 4; minus strand). Cytogenetic location: 2p22.3.
Variant type: single nucleotide variant.
Coding change: c.2222T>C on transcript NM_001199138.2 (MANE Select); coding-DNA position 2222, T replaced by C.
Protein change: p.Leu741Ser; replaces leucine 741 with serine.
Molecular consequence: missense variant. On other transcripts: intron variant (1).
Genome position (GRCh38, 1-based): chr2:32,249,642, A>G on the plus strand (T>C on the coding strand, the complement: NLRC4 is on the minus strand). VCF-style: chr2-32249642-A-G. GRCh37 (hg19) VCF-style: chr2-32474711-A-G.
Other names: c.2222T>C, p.Leu741Ser (NM_001199139.2, NM_021209.5); c.262+2777T>C (NM_001302504.1); short protein forms L741S.
Identifiers: ClinVar variation 1978019 (VCV001978019.5), dbSNP rs2466756233, ClinGen allele CA346510662.